The following is an entry in ClinVar:

ClinVar aggregate classification (germline): other (0 of 4 stars; one submission).

Conditions:
Familial colorectal cancer. Identifiers: MedGen CN280943, MONDO:0023113. Disease mechanism: loss of function.

Submission:

Systems Biology Platform Zhejiang California International NanoSystems Institute
Classification: other for Familial colorectal cancer. Review status: no assertion criteria provided. Collection method: not provided. Allele origin: unknown.
ClinVar note: Converted during submission from cancer to other.

NM_001127511.3(APC):c.165+25847T>G

Gene: APC (APC regulator of Wnt signaling pathway; plus strand). Cytogenetic location: 5q22.2.
Variant type: single nucleotide variant.
Coding change: c.165+25847T>G on transcript NM_001127511.3; 25847 bases into the intron after coding-DNA position 165, T replaced by G.
Molecular consequence: intron variant.
Genome position (GRCh38, 1-based): chr5:112,733,729, T>G. VCF-style: chr5-112733729-T-G. GRCh37 (hg19) VCF-style: chr5-112069426-T-G.
Other names: c.-1053-21144T>G (NM_001407470.1, NM_001407472.1); c.-18-21144T>G (NM_001407447.1, NM_001354895.2, NM_001407456.1 and 7 more transcripts); c.165+25847T>G (NM_001407446.1, NM_001354897.2, NM_001354902.2); c.-43+26080T>G (NM_001407453.1).
Identifiers: ClinVar variation 82720 (VCV000082720.4), dbSNP rs77579487, ClinGen allele CA023576.